The following is an entry in ClinVar:

NM_030777.4(SLC2A10):c.*334A>G

Gene: SLC2A10 (solute carrier family 2 member 10; plus strand). Cytogenetic location: 20q13.12.
Variant type: single nucleotide variant.
Coding change: c.*334A>G on transcript NM_030777.4 (MANE Select); 334 bases downstream of the stop codon, A replaced by G.
Molecular consequence: 3 prime UTR variant.
Genome position (GRCh38, 1-based): chr20:46,734,168, A>G. VCF-style: chr20-46734168-A-G. GRCh37 (hg19) VCF-style: chr20-45362807-A-G.
Identifiers: ClinVar variation 338608 (VCV000338608.6), dbSNP rs6018010, ClinGen allele CA10649796.

ClinVar aggregate classification (germline): Benign. Review status: criteria provided, multiple submitters, no conflicts (2 of 4 stars). 2 submissions from 2 submitters: Benign (2). Last evaluated 2018-01-12.

Conditions:
Arterial tortuosity syndrome (ATORS). Identifiers: Orphanet 3342, MedGen C1859726, MONDO:0008818, OMIM 208050.

Allele frequency attached by ClinVar (database versions not stated): gnomAD exomes 0.00239; gnomAD 0.01291 and 0.01363; 1000 Genomes Project 0.01298; 1000 Genomes Project 30x 0.01343; TOPMed 0.01349.
gnomAD v4.1: 2,565 of 399,072 alleles (0.64%); highest among the groups gnomAD compares: African/African-American, 4.2%; 44 homozygotes.

Submissions (2):

Illumina Laboratory Services, Illumina
Classification: Benign for Arterial tortuosity syndrome. Last evaluated: 2018-01-12. Review status: criteria provided, single submitter. Criteria: ICSL Variant Classification Criteria 13 December 2019. Collection method: clinical testing. Allele origin: germline.
Comment: This variant was observed in the ICSL laboratory as part of a predisposition screen in an ostensibly healthy population. It had not been previously curated by ICSL or reported in the Human Gene Mutation Database (HGMD: prior to June 1st, 2018), and was therefore a candidate for classification through an automated scoring system. Utilizing variant allele frequency, disease prevalence and penetrance estimates, and inheritance mode, an automated score was calculated to assess if this variant is too frequent to cause the disease. Based on the score and internal cut-off values, a variant classified as benign is not then subjected to further curation. The score for this variant resulted in a classification of benign for this disease.

Breakthrough Genomics
Classification: Benign. Review status: criteria provided, single submitter. Criteria: ACMG Guidelines, 2015. Collection method: not provided. Allele origin: germline. Inheritance: Autosomal recessive inheritance. Affected: yes.